The following is an entry in ClinVar:

ClinVar aggregate classification (germline): Likely pathogenic (1 of 4 stars; one submission).

Conditions:
Martsolf syndrome (MARTS). Also called: Congenital cataract with intellectual disability and hypogonadotropic hypogonadism syndrome. Identifiers: Orphanet 1387, MedGen C0796037, MONDO:0023910.

Allele frequency attached by ClinVar (database versions not stated): gnomAD exomes below 0.00001.
gnomAD v4.1: 2 of 1,613,052 alleles (0.00012%); highest among the groups gnomAD compares: Non-Finnish European, 0.00017%; no homozygotes.

Submission:

Reproductive Endocrine Unit, Massachusetts General Hospital
Classification: Likely pathogenic for Martsolf syndrome 1. Last evaluated: 2020-02-01. Review status: criteria provided, single submitter. Criteria: ACMG Guidelines, 2015. Collection method: research. Allele origin: unknown. Inheritance: Autosomal recessive inheritance. Affected: no.
Comment: The c.387-2A>G variant has a frequency of 4.1E-06 in gnomAD and four independent splice prediction programs (BDGP, ASSP, Mutation Taster, and Human Splicing Finder) categorized this variant as deleterious secondary to a splicing defect. The phase of this variant is not known.

NM_012414.4(RAB3GAP2):c.387-2A>G

Gene: RAB3GAP2 (RAB3 GTPase activating non-catalytic protein subunit 2; minus strand). Cytogenetic location: 1q41.
Variant type: single nucleotide variant.
Coding change: c.387-2A>G on transcript NM_012414.4 (MANE Select); the canonical splice acceptor site of the intron before coding-DNA position 387, A replaced by G.
Molecular consequence: splice acceptor variant.
Genome position (GRCh38, 1-based): chr1:220,211,004, T>C on the plus strand (A>G on the coding strand, the complement: RAB3GAP2 is on the minus strand). VCF-style: chr1-220211004-T-C. GRCh37 (hg19) VCF-style: chr1-220384346-T-C.
Identifiers: ClinVar variation 870510 (VCV000870510.1), dbSNP rs769114540, ClinGen allele CA1403030.